The following is an entry in ClinVar:

ClinVar aggregate classification (germline): Uncertain significance (1 of 4 stars; one submission).

Submission:

Labcorp Genetics (formerly Invitae), Labcorp
Classification: Uncertain significance. Last evaluated: 2023-05-16. Review status: criteria provided, single submitter. Criteria: Invitae Variant Classification Sherloc (09022015). Collection method: clinical testing. Allele origin: germline.
Comment: In summary, the available evidence is currently insufficient to determine the role of this variant in disease. Therefore, it has been classified as a Variant of Uncertain Significance. Advanced modeling of protein sequence and biophysical properties (such as structural, functional, and spatial information, amino acid conservation, physicochemical variation, residue mobility, and thermodynamic stability) performed at Invitae indicates that this missense variant is not expected to disrupt PRPF8 protein function. This variant has not been reported in the literature in individuals affected with PRPF8-related conditions. This variant is not present in population databases (gnomAD no frequency). This sequence change replaces aspartic acid, which is acidic and polar, with asparagine, which is neutral and polar, at codon 60 of the PRPF8 protein (p.Asp60Asn).

NM_006445.4(PRPF8):c.178G>A (p.Asp60Asn)

Gene: PRPF8 (pre-mRNA processing factor 8; minus strand). Cytogenetic location: 17p13.3.
Variant type: single nucleotide variant.
Coding change: c.178G>A on transcript NM_006445.4 (MANE Select); coding-DNA position 178, G replaced by A.
Protein change: p.Asp60Asn; replaces aspartic acid 60 with asparagine.
Molecular consequence: missense variant.
Genome position (GRCh38, 1-based): chr17:1,683,624, C>T on the plus strand (G>A on the coding strand, the complement: PRPF8 is on the minus strand). VCF-style: chr17-1683624-C-T. GRCh37 (hg19) VCF-style: chr17-1586918-C-T.
Other names: short protein forms D60N.
Identifiers: ClinVar variation 2864943 (VCV002864943.3), dbSNP rs2543787698, ClinGen allele CA397570994.